The following is an entry in ClinVar:

NM_002691.4(POLD1):c.1242+3G>T

Gene: POLD1 (DNA polymerase delta 1, catalytic subunit; plus strand). Cytogenetic location: 19q13.33.
Variant type: single nucleotide variant.
Coding change: c.1242+3G>T on transcript NM_002691.4 (MANE Select); 3 bases into the intron after coding-DNA position 1242, G replaced by T.
Molecular consequence: intron variant.
Genome position (GRCh38, 1-based): chr19:50,403,600, G>T. VCF-style: chr19-50403600-G-T. GRCh37 (hg19) VCF-style: chr19-50906857-G-T.
Other names: c.1242+3G>T (NM_001256849.1, NM_001308632.1).
Identifiers: ClinVar variation 2695458 (VCV002695458.3), dbSNP rs2513977781, ClinGen allele CA2586569430.

ClinVar aggregate classification (germline): Uncertain significance (1 of 4 stars; one submission).

Conditions:
POLD1-related polyposis and colorectal cancer syndrome (CRCS10). Also called: Colorectal cancer 10; Colorectal cancer, susceptibility to, 10; COLORECTAL CANCER, SUSCEPTIBILITY TO, ON CHROMOSOME 19q. Identifiers: Orphanet 220460, MedGen C2675481, MONDO:0012953, OMIM 612591.

Submission:

Labcorp Genetics (formerly Invitae), Labcorp
Classification: Uncertain significance for POLD1-related polyposis and colorectal cancer syndrome. Last evaluated: 2023-11-13. Review status: criteria provided, single submitter. Criteria: Invitae Variant Classification Sherloc (09022015). Collection method: clinical testing. Allele origin: germline.
Comment: This sequence change falls in intron 10 of the POLD1 gene. It does not directly change the encoded amino acid sequence of the POLD1 protein. It affects a nucleotide within the consensus splice site. This variant is not present in population databases (gnomAD no frequency). This variant has not been reported in the literature in individuals affected with POLD1-related conditions. Variants that disrupt the consensus splice site are a relatively common cause of aberrant splicing (PMID: 17576681, 9536098). Algorithms developed to predict the effect of sequence changes on RNA splicing suggest that this variant is not likely to affect RNA splicing. In summary, the available evidence is currently insufficient to determine the role of this variant in disease. Therefore, it has been classified as a Variant of Uncertain Significance.

Literature cited by the submitters: PubMed 17576681; PubMed 9536098.